The following is an entry in ClinVar:

ClinVar aggregate classification (germline): Benign (1 of 4 stars; one submission).

Submission:

CeGaT Center for Human Genetics Tuebingen
Classification: Benign. Last evaluated: 2024-03-01. Review status: criteria provided, single submitter. Criteria: CeGaT Center For Human Genetics Tuebingen Variant Classification Criteria Version 2. Collection method: clinical testing. Allele origin: germline. Affected: yes. Observed: 1 variant allele.
Comment: MEG3: BS1, BS2

NC_000014.9:g.100779738G>A

Variant type: single nucleotide variant.
Genome position: GRCh38 VCF-style: chr14-100779738-G-A. GRCh37 (hg19) VCF-style: chr14-101246075-G-A.
Identifiers: ClinVar variation 3067539 (VCV003067539.21), dbSNP rs77371919, ClinGen allele CA266865334.